The following is an entry in ClinVar:

NM_001354604.2(MITF):c.*286G>A

Gene: MITF (melanocyte inducing transcription factor; plus strand). Cytogenetic location: 3p13.
Variant type: single nucleotide variant.
Coding change: c.*286G>A on transcript NM_001354604.2 (MANE Select); 286 bases downstream of the stop codon, G replaced by A.
Molecular consequence: 3 prime UTR variant.
Genome position (GRCh38, 1-based): chr3:69,965,534, G>A. VCF-style: chr3-69965534-G-A. GRCh37 (hg19) VCF-style: chr3-70014685-G-A.
Other names: c.*286G>A (NM_001354605.2, NM_001354606.2, NM_001354607.2 and 8 more transcripts).
Identifiers: ClinVar variation 346508 (VCV000346508.5), dbSNP rs187361634, ClinGen allele CA10619446.

ClinVar aggregate classification (germline): Benign. Review status: criteria provided, single submitter (1 of 4 stars). 2 submissions from 1 submitter: Benign (2). Last evaluated 2018-01-12.

Conditions:
Waardenburg syndrome type 2A (WS2A). Also called: WAARDENBURG SYNDROME WITHOUT DYSTOPIA CANTHORUM. Identifiers: Orphanet 3440, MedGen C1860339, MONDO:0008671, OMIM 193510.
Tietz syndrome (TADS). Also called: ALBINISM-DEAFNESS OF TIETZ; HYPOPIGMENTATION/DEAFNESS OF TIETZ; TIETZ ALBINISM-DEAFNESS SYNDROME. Identifiers: Orphanet 42665, MedGen C0391816, MONDO:0007077, OMIM 103500.

Allele frequency attached by ClinVar (database versions not stated): gnomAD 0.00029 and 0.00036; TOPMed 0.00080; 1000 Genomes Project 0.00100; 1000 Genomes Project 30x 0.00109.
gnomAD v4.1: 122 of 294,786 alleles (0.041%); highest among the groups gnomAD compares: East Asian, 0.54%; 1 homozygote.

Submissions (2):

Illumina Laboratory Services, Illumina
Classification: Benign for Tietz syndrome. Last evaluated: 2018-01-12. Review status: criteria provided, single submitter. Criteria: ICSL Variant Classification Criteria 13 December 2019. Collection method: clinical testing. Allele origin: germline.
Comment: This variant was observed in the ICSL laboratory as part of a predisposition screen in an ostensibly healthy population. It had not been previously curated by ICSL or reported in the Human Gene Mutation Database (HGMD: prior to June 1st, 2018), and was therefore a candidate for classification through an automated scoring system. Utilizing variant allele frequency, disease prevalence and penetrance estimates, and inheritance mode, an automated score was calculated to assess if this variant is too frequent to cause the disease. Based on the score and internal cut-off values, a variant classified as benign is not then subjected to further curation. The score for this variant resulted in a classification of benign for this disease.

Illumina Laboratory Services, Illumina
Classification: Benign for Waardenburg syndrome type 2A. Last evaluated: 2018-01-12. Review status: criteria provided, single submitter. Criteria: ICSL Variant Classification Criteria 13 December 2019. Collection method: clinical testing. Allele origin: germline.
Comment: the same text as in the submission from Illumina Laboratory Services, Illumina above.